The following is an entry in ClinVar:

NM_018275.5(TRAPPC14):c.813C>T (p.Pro271=)

Gene: TRAPPC14 (trafficking protein particle complex subunit 14; minus strand). Cytogenetic location: 7q22.1.
Variant type: single nucleotide variant.
Coding change: c.813C>T on transcript NM_018275.5 (MANE Select); coding-DNA position 813, C replaced by T.
Protein change: p.Pro271=; no amino-acid change (proline 271 retained).
Molecular consequence: synonymous variant.
Genome position (GRCh38, 1-based): chr7:100,157,126, G>A on the plus strand (C>T on the coding strand, the complement: TRAPPC14 is on the minus strand). VCF-style: chr7-100157126-G-A. GRCh37 (hg19) VCF-style: chr7-99754749-G-A.
Other names: c.6C>T, p.Pro2= (NM_001303470.2).
Identifiers: ClinVar variation 3039733 (VCV003039733.2), dbSNP rs73713948, ClinGen allele CA4376906.

ClinVar aggregate classification (germline): Benign (0 of 4 stars; one submission).

Conditions:
TRAPPC14-related disorder. Also called: TRAPPC14-related condition.

Allele frequency attached by ClinVar (database versions not stated): gnomAD exomes 0.00027; ExAC 0.00072; gnomAD 0.00212; TOPMed 0.00246; ESP Exome Variant Server 0.00277; 1000 Genomes Project 0.00300; 1000 Genomes Project 30x 0.00359.

Submission:

PreventionGenetics, part of Exact Sciences
Classification: Benign for TRAPPC14-related condition. Last evaluated: 2019-12-31. Review status: no assertion criteria provided. Collection method: clinical testing. Allele origin: germline.
Comment: This variant is classified as benign based on ACMG/AMP sequence variant interpretation guidelines (Richards et al. 2015 PMID: 25741868, with internal and published modifications).